The following is an entry in ClinVar:

NM_001034850.3(RETREG1):c.441G>T (p.Trp147Cys)

Gene: RETREG1 (reticulophagy regulator 1; minus strand). Cytogenetic location: 5p15.1.
Variant type: single nucleotide variant.
Coding change: c.441G>T on transcript NM_001034850.3 (MANE Select); coding-DNA position 441, G replaced by T.
Protein change: p.Trp147Cys; replaces tryptophan 147 with cysteine.
Molecular consequence: missense variant.
Genome position (GRCh38, 1-based): chr5:16,565,780, C>A on the plus strand (G>T on the coding strand, the complement: RETREG1 is on the minus strand). VCF-style: chr5-16565780-C-A. GRCh37 (hg19) VCF-style: chr5-16565889-C-A.
Other names: short protein forms W147C.
Identifiers: ClinVar variation 1404664 (VCV001404664.8), dbSNP rs2126628907, ClinGen allele CA359292269.

ClinVar aggregate classification (germline): Uncertain significance (1 of 4 stars; one submission).

Submission:

Labcorp Genetics (formerly Invitae), Labcorp
Classification: Uncertain significance. Last evaluated: 2021-01-20. Review status: criteria provided, single submitter. Criteria: Invitae Variant Classification Sherloc (09022015). Collection method: clinical testing. Allele origin: germline.
Comment: This variant has not been reported in the literature in individuals with RETREG1-related conditions. Algorithms developed to predict the effect of missense changes on protein structure and function are either unavailable or do not agree on the potential impact of this missense change (SIFT: "Deleterious"; PolyPhen-2: "Probably Damaging"; Align-GVGD: "Class C0"). In summary, the available evidence is currently insufficient to determine the role of this variant in disease. Therefore, it has been classified as a Variant of Uncertain Significance. This variant is not present in population databases (ExAC no frequency). This sequence change replaces tryptophan with cysteine at codon 147 of the RETREG1 protein (p.Trp147Cys). The tryptophan residue is moderately conserved and there is a large physicochemical difference between tryptophan and cysteine.